The following is an entry in ClinVar:

NM_003722.5(TP63):c.578C>G (p.Thr193Arg)

Gene: TP63 (tumor protein p63; plus strand). Cytogenetic location: 3q28.
Variant type: single nucleotide variant.
Coding change: c.578C>G on transcript NM_003722.5 (MANE Select); coding-DNA position 578, C replaced by G.
Protein change: p.Thr193Arg; replaces threonine 193 with arginine.
Molecular consequence: missense variant. On other transcripts: intron variant (2).
Genome position (GRCh38, 1-based): chr3:189,808,525, C>G. VCF-style: chr3-189808525-C-G. GRCh37 (hg19) VCF-style: chr3-189526314-C-G.
Other names: c.578C>G, p.Thr193Arg (NM_001114978.2, NM_001114979.2, NM_001329144.2 and 1 more transcripts); c.296C>G, p.Thr99Arg (NM_001114980.2, NM_001114981.2, NM_001114982.2 and 2 more transcripts); c.572C>G, p.Thr191Arg (NM_001329964.2); c.42+18683C>G (NM_001329146.2, NM_001329150.2); short protein forms T191R, T193R, T99R.
Identifiers: ClinVar variation 1415859 (VCV001415859.7), dbSNP rs1727180191, ClinGen allele CA355750864.

ClinVar aggregate classification (germline): Uncertain significance (1 of 4 stars; one submission).

Conditions:
TP63-Related Spectrum Disorders.

Submission:

Labcorp Genetics (formerly Invitae), Labcorp
Classification: Uncertain significance. Last evaluated: 2021-02-04. Review status: criteria provided, single submitter. Criteria: Invitae Variant Classification Sherloc (09022015). Collection method: clinical testing. Allele origin: germline.
Comment: Algorithms developed to predict the effect of missense changes on protein structure and function are either unavailable or do not agree on the potential impact of this missense change (SIFT: "Deleterious"; PolyPhen-2: "Probably Damaging"; Align-GVGD: "Class C0"). This variant has not been reported in the literature in individuals with TP63-related conditions. This variant is not present in population databases (ExAC no frequency). This sequence change replaces threonine with arginine at codon 193 of the TP63 protein (p.Thr193Arg). The threonine residue is highly conserved and there is a moderate physicochemical difference between threonine and arginine. In summary, the available evidence is currently insufficient to determine the role of this variant in disease. Therefore, it has been classified as a Variant of Uncertain Significance.